The following is an entry in ClinVar:

ClinVar aggregate classification (germline): Uncertain significance. Review status: criteria provided, multiple submitters, no conflicts (2 of 4 stars). 2 submissions from 2 submitters: Uncertain significance (2). Last evaluated 2024-10-16.

Conditions:
Hereditary cancer-predisposing syndrome. Also called: Hereditary neoplastic syndrome; Neoplastic Syndromes, Hereditary; Hereditary Cancer Syndrome; Tumor predisposition. Identifiers: Orphanet 140162, MedGen C0027672, MeSH D009386, MONDO:0015356.

Submissions (2):

Labcorp Genetics (formerly Invitae), Labcorp
Classification: Uncertain significance. Last evaluated: 2024-10-16. Review status: criteria provided, single submitter. Criteria: Invitae Variant Classification Sherloc (09022015). Collection method: clinical testing. Allele origin: germline.
Comment: This sequence change falls in intron 13 of the MSH3 gene. It does not directly change the encoded amino acid sequence of the MSH3 protein. It affects a nucleotide within the consensus splice site. This variant is not present in population databases (gnomAD no frequency). This variant has not been reported in the literature in individuals affected with MSH3-related conditions. ClinVar contains an entry for this variant (Variation ID: 1488213). Variants that disrupt the consensus splice site are a relatively common cause of aberrant splicing (PMID: 17576681, 9536098). Algorithms developed to predict the effect of sequence changes on RNA splicing suggest that this variant is not likely to affect RNA splicing. In summary, the available evidence is currently insufficient to determine the role of this variant in disease. Therefore, it has been classified as a Variant of Uncertain Significance.

Sema4
Classification: Uncertain significance for Hereditary cancer-predisposing syndrome. Last evaluated: 2021-06-24. Review status: criteria provided, single submitter. Criteria: Sema4 Curation Guidelines. Collection method: curation. Allele origin: germline.
Comment: The MSH3 c.1896+4A>C variant has not been reported in the literature to our knowledge. It was not observed in the large and broad cohorts of the Genome Aggregation Database (PMID: 32461654). The variant has not been reported in ClinVar. In silico tools suggest the impact of the variant on splicing is inconclusive, though these predictions have not been confirmed by functional studies. The evidence is insufficient to meet ACMG/AMP criteria for classifying the variant as benign or pathogenic. Thus, the clinical significance of this variant is currently uncertain.

Literature cited by the submitters: PubMed 17576681 (cited by Labcorp Genetics (formerly Invitae), Labcorp); PubMed 9536098 (cited by Labcorp Genetics (formerly Invitae), Labcorp).

NM_002439.5(MSH3):c.1896+4A>C

Gene: MSH3 (mutS homolog 3; plus strand). Cytogenetic location: 5q14.1.
Variant type: single nucleotide variant.
Coding change: c.1896+4A>C on transcript NM_002439.5 (MANE Select); 4 bases into the intron after coding-DNA position 1896, A replaced by C.
Molecular consequence: intron variant.
Genome position (GRCh38, 1-based): chr5:80,761,682, A>C. VCF-style: chr5-80761682-A-C. GRCh37 (hg19) VCF-style: chr5-80057501-A-C.
Identifiers: ClinVar variation 1488213 (VCV001488213.7), dbSNP rs2112880095, ClinGen allele CA2573139880.